The following is an entry in ClinVar:

NM_006914.4(RORB):c.407A>T (p.Glu136Val)

Gene: RORB (RAR related orphan receptor B; plus strand). Cytogenetic location: 9q21.13.
Variant type: single nucleotide variant.
Coding change: c.407A>T on transcript NM_006914.4 (MANE Select); coding-DNA position 407, A replaced by T.
Protein change: p.Glu136Val; replaces glutamic acid 136 with valine.
Molecular consequence: missense variant.
Genome position (GRCh38, 1-based): chr9:74,642,585, A>T. VCF-style: chr9-74642585-A-T. GRCh37 (hg19) VCF-style: chr9-77257501-A-T.
Other names: c.440A>T, p.Glu147Val (NM_001365023.1); short protein forms E147V, E136V.
Identifiers: ClinVar variation 1461663 (VCV001461663.8), dbSNP rs2118462814, ClinGen allele CA373769793.

ClinVar aggregate classification (germline): Uncertain significance (1 of 4 stars; one submission).

Submission:

Labcorp Genetics (formerly Invitae), Labcorp
Classification: Uncertain significance. Last evaluated: 2022-06-03. Review status: criteria provided, single submitter. Criteria: Invitae Variant Classification Sherloc (09022015). Collection method: clinical testing. Allele origin: germline.
Comment: This sequence change replaces glutamic acid, which is acidic and polar, with valine, which is neutral and non-polar, at codon 136 of the RORB protein (p.Glu136Val). This variant is not present in population databases (gnomAD no frequency). This variant has not been reported in the literature in individuals affected with RORB-related conditions. ClinVar contains an entry for this variant (Variation ID: 1461663). Algorithms developed to predict the effect of missense changes on protein structure and function are either unavailable or do not agree on the potential impact of this missense change (SIFT: "Deleterious"; PolyPhen-2: "Benign"; Align-GVGD: "Class C0"). Algorithms developed to predict the effect of sequence changes on RNA splicing suggest that this variant may create or strengthen a splice site. In summary, the available evidence is currently insufficient to determine the role of this variant in disease. Therefore, it has been classified as a Variant of Uncertain Significance.